The following is an entry in ClinVar:

ClinVar aggregate classification (germline): Uncertain significance (1 of 4 stars; one submission).

Conditions:
Tuberous sclerosis 2 (TSC2). Identifiers: Orphanet 805, MedGen C1860707, MONDO:0013199, OMIM 613254.

Submission:

Labcorp Genetics (formerly Invitae), Labcorp
Classification: Uncertain significance for Tuberous sclerosis 2. Last evaluated: 2022-05-22. Review status: criteria provided, single submitter. Criteria: Invitae Variant Classification Sherloc (09022015). Collection method: clinical testing. Allele origin: germline.
Comment: In summary, the available evidence is currently insufficient to determine the role of this variant in disease. Therefore, it has been classified as a Variant of Uncertain Significance. Advanced modeling of protein sequence and biophysical properties (such as structural, functional, and spatial information, amino acid conservation, physicochemical variation, residue mobility, and thermodynamic stability) performed at Invitae indicates that this missense variant is not expected to disrupt TSC2 protein function. This variant has not been reported in the literature in individuals affected with TSC2-related conditions. This variant is not present in population databases (gnomAD no frequency). This sequence change replaces proline, which is neutral and non-polar, with leucine, which is neutral and non-polar, at codon 824 of the TSC2 protein (p.Pro824Leu).

NM_000548.5(TSC2):c.2471C>T (p.Pro824Leu)

Gene: TSC2 (TSC complex subunit 2; plus strand). Cytogenetic location: 16p13.3.
Variant type: single nucleotide variant.
Coding change: c.2471C>T on transcript NM_000548.5 (MANE Select); coding-DNA position 2471, C replaced by T.
Protein change: p.Pro824Leu; replaces proline 824 with leucine.
Molecular consequence: missense variant.
Genome position (GRCh38, 1-based): chr16:2,074,315, C>T. VCF-style: chr16-2074315-C-T. GRCh37 (hg19) VCF-style: chr16-2124316-C-T.
Other names: c.2471C>T, p.Pro824Leu (NM_001077183.3, NM_001114382.3, NM_001363528.2 and 6 more transcripts); c.2360C>T, p.Pro787Leu (NM_001318827.2, NM_001406670.1, NM_001406678.1); c.2324C>T, p.Pro775Leu (NM_001318829.2, NM_001406675.1, NM_001406676.1 and 1 more transcripts); c.1871C>T, p.Pro624Leu (NM_001318831.2, NM_001406685.1, NM_001406686.1 and 6 more transcripts); c.2504C>T, p.Pro835Leu (NM_001318832.2); c.2561C>T, p.Pro854Leu (NM_001406667.1, NM_001406668.1); c.2459C>T, p.Pro820Leu (NM_001406671.1, NM_001406673.1); c.1127C>T, p.Pro376Leu (NM_001406689.1, NM_001406690.1, NM_001406691.1 and 6 more transcripts); and 3 more; short protein forms P624L, P775L, P820L, P835L, P854L, P787L, P824L, P290L.
Identifiers: ClinVar variation 1962961 (VCV001962961.5), dbSNP rs940077353, ClinGen allele CA394277638.